The following is an entry in ClinVar:

ClinVar aggregate classification (germline): Uncertain significance (1 of 4 stars; one submission).

Submission:

GeneDx
Classification: Uncertain significance. Last evaluated: 2024-12-13. Review status: criteria provided, single submitter. Criteria: GeneDx Variant Classification Process June 2021. Collection method: clinical testing. Allele origin: germline. Affected: yes.
Comment: Not observed at significant frequency in large population cohorts (gnomAD); In silico analysis supports that this missense variant has a deleterious effect on protein structure/function; Has not been previously published as pathogenic or benign to our knowledge

NM_001134363.3(RBM20):c.811G>T (p.Gly271Trp)

Gene: RBM20 (RNA binding motif protein 20; plus strand). Cytogenetic location: 10q25.2.
Variant type: single nucleotide variant.
Coding change: c.811G>T on transcript NM_001134363.3 (MANE Select); coding-DNA position 811, G replaced by T.
Protein change: p.Gly271Trp; replaces glycine 271 with tryptophan.
Molecular consequence: missense variant.
Genome position (GRCh38, 1-based): chr10:110,781,420, G>T. VCF-style: chr10-110781420-G-T. GRCh37 (hg19) VCF-style: chr10-112541178-G-T.
Other names: short protein forms G271W.
Identifiers: ClinVar variation 3902882 (VCV003902882.1).